The following is an entry in ClinVar:

NM_006846.4(SPINK5):c.2234C>T (p.Ala745Val)

Gene: SPINK5 (serine peptidase inhibitor Kazal type 5; plus strand). Cytogenetic location: 5q32.
Variant type: single nucleotide variant.
Coding change: c.2234C>T on transcript NM_006846.4 (MANE Select); coding-DNA position 2234, C replaced by T.
Protein change: p.Ala745Val; replaces alanine 745 with valine.
Molecular consequence: missense variant.
Genome position (GRCh38, 1-based): chr5:148,118,558, C>T. VCF-style: chr5-148118558-C-T. GRCh37 (hg19) VCF-style: chr5-147498121-C-T.
Other names: c.2234C>T, p.Ala745Val (NM_001127698.2, NM_001127699.2); short protein forms A745V.
Identifiers: ClinVar variation 2420860 (VCV002420860.4), dbSNP rs951229378, ClinGen allele CA361645411.

ClinVar aggregate classification (germline): Uncertain significance (1 of 4 stars; one submission).

Conditions:
Netherton syndrome (NETH). Also called: NETHERTON DISEASE; ERYTHRODERMA, ICHTHYOSIFORM, WITH HYPOTRICHOSIS AND HYPER-IgE; COMEL-NETHERTON SYNDROME. Identifiers: Orphanet 634, MedGen C5574950, MONDO:0009735, OMIM 256500.

Allele frequency attached by ClinVar (database versions not stated): gnomAD 0.00001.
gnomAD v4.1: 3 of 1,613,928 alleles (0.00019%); highest among the groups gnomAD compares: South Asian, 0.0011%; no homozygotes.

Submission:

Labcorp Genetics (formerly Invitae), Labcorp
Classification: Uncertain significance for Ichthyosis linearis circumflexa. Last evaluated: 2022-04-09. Review status: criteria provided, single submitter. Criteria: Invitae Variant Classification Sherloc (09022015). Collection method: clinical testing. Allele origin: germline.
Comment: This sequence change replaces alanine, which is neutral and non-polar, with valine, which is neutral and non-polar, at codon 745 of the SPINK5 protein (p.Ala745Val). This variant is not present in population databases (gnomAD no frequency). This variant has not been reported in the literature in individuals affected with SPINK5-related conditions. Algorithms developed to predict the effect of missense changes on protein structure and function (SIFT, PolyPhen-2, Align-GVGD) all suggest that this variant is likely to be tolerated. In summary, the available evidence is currently insufficient to determine the role of this variant in disease. Therefore, it has been classified as a Variant of Uncertain Significance.